The following is an entry in ClinVar:

ClinVar aggregate classification (germline): Conflicting classifications of pathogenicity. Review status: criteria provided, conflicting classifications (1 of 4 stars). 5 submissions from 5 submitters: Uncertain significance (4); Likely benign (1). Last evaluated 2025-10-28.

Conditions:
Inborn genetic diseases. Identifiers: MedGen C0950123, MeSH D030342.
Pitt-Hopkins-like syndrome 2 (PTHSL2). Identifiers: Orphanet 221150, Orphanet 600663, MedGen C3280479, MONDO:0013690, OMIM 614325.
NRXN1-related disorder.

Allele frequency attached by ClinVar (database versions not stated): ExAC 0.00007; gnomAD exomes 0.00008; TOPMed 0.00012; gnomAD 0.00014 and 0.00015; 1000 Genomes Project 30x 0.00031; 1000 Genomes Project 0.00040.
gnomAD v4.1: 424 of 1,613,980 alleles (0.026%); highest among the groups gnomAD compares: Non-Finnish European, 0.031%; no homozygotes.

Submissions (5):

Labcorp Genetics (formerly Invitae), Labcorp
Classification: Uncertain significance for Pitt-Hopkins-like syndrome 2. Last evaluated: 2025-10-28. Review status: criteria provided, single submitter. Criteria: Invitae Variant Classification Sherloc (09022015). Collection method: clinical testing. Allele origin: germline.
Comment: This sequence change replaces proline, which is neutral and non-polar, with leucine, which is neutral and non-polar, at codon 719 of the NRXN1 protein (p.Pro719Leu). This variant is present in population databases (rs201735573, gnomAD 0.02%). This variant has not been reported in the literature in individuals affected with NRXN1-related conditions. ClinVar contains an entry for this variant (Variation ID: 206228). An algorithm developed to predict the effect of missense changes on protein structure and function (PolyPhen-2) suggests that this variant is likely to be tolerated. In summary, the available evidence is currently insufficient to determine the role of this variant in disease. Therefore, it has been classified as a Variant of Uncertain Significance.

PreventionGenetics, part of Exact Sciences
Classification: Uncertain significance for NRXN1-related condition. Last evaluated: 2025-01-12. Review status: criteria provided, single submitter. Criteria: ACMG Guidelines, 2015. Collection method: clinical testing. Allele origin: germline.
Comment: The NRXN1 c.2156C>T variant is predicted to result in the amino acid substitution p.Pro719Leu. To our knowledge, this variant has not been reported in the literature. This variant is reported in 0.016% of alleles in individuals of European (non-Finnish) descent in gnomAD. Internal data at PreventionGenetics indicates that this variant is commonly found in cis with c.2310G>T. At this time, the clinical significance of this variant is uncertain due to the absence of conclusive functional and genetic evidence.

Ambry Genetics
Classification: Uncertain significance for Inborn genetic diseases. Last evaluated: 2022-06-29. Review status: criteria provided, single submitter. Criteria: Ambry Variant Classification Scheme 2023. Collection method: clinical testing. Allele origin: germline.

GeneDx
Classification: Likely benign. Last evaluated: 2021-04-27. Review status: criteria provided, single submitter. Criteria: GeneDx Variant Classification Process June 2021. Collection method: clinical testing. Allele origin: germline. Affected: yes.

Genetic Services Laboratory, University of Chicago
Classification: Uncertain significance. Last evaluated: 2017-05-25. Review status: criteria provided, single submitter. Criteria: ACMG Guidelines, 2015. Collection method: clinical testing. Allele origin: germline. Affected: no.

NM_001330078.2(NRXN1):c.2036C>T (p.Pro679Leu)

Gene: NRXN1 (neurexin 1; minus strand). Cytogenetic location: 2p16.3.
Variant type: single nucleotide variant.
Coding change: c.2036C>T on transcript NM_001330078.2 (MANE Select); coding-DNA position 2036, C replaced by T.
Protein change: p.Pro679Leu; replaces proline 679 with leucine.
Molecular consequence: missense variant.
Genome position (GRCh38, 1-based): chr2:50,538,360, G>A on the plus strand (C>T on the coding strand, the complement: NRXN1 is on the minus strand). VCF-style: chr2-50538360-G-A. GRCh37 (hg19) VCF-style: chr2-50765498-G-A.
Other names: p.P719L:CCG>CTG; c.2156C>T, p.Pro719Leu (NM_001135659.3); c.2012C>T, p.Pro671Leu (NM_001330077.2, NM_001330082.2, NM_001330095.2); c.1997C>T, p.Pro666Leu (NM_001330083.2, NM_001330084.2); c.2036C>T, p.Pro679Leu (NM_001330085.2, NM_001330086.2, NM_004801.6); c.1952C>T, p.Pro651Leu (NM_001330087.2, NM_001330096.2); c.1982C>T, p.Pro661Leu (NM_001330088.2); c.2033C>T, p.Pro678Leu (NM_001330093.2); and 2 more; short protein forms P719L, P679L, P675L, P661L, P651L, P666L, P678L, P671L.
Identifiers: ClinVar variation 206228 (VCV000206228.21), dbSNP rs201735573, ClinGen allele CA316105.